The following is an entry in ClinVar:

ClinVar aggregate classification (germline): Uncertain significance (1 of 4 stars; one submission).

Allele frequency attached by ClinVar (database versions not stated): gnomAD exomes below 0.00001.
gnomAD v4.1: 2 of 1,613,964 alleles (0.00012%); highest among the groups gnomAD compares: Non-Finnish European, 0.00017%; no homozygotes.

Submission:

Labcorp Genetics (formerly Invitae), Labcorp
Classification: Uncertain significance. Last evaluated: 2020-01-15. Review status: criteria provided, single submitter. Criteria: Invitae Variant Classification Sherloc (09022015). Collection method: clinical testing. Allele origin: germline.
Comment: In summary, the available evidence is currently insufficient to determine the role of this variant in disease. Therefore, it has been classified as a Variant of Uncertain Significance. Algorithms developed to predict the effect of missense changes on protein structure and function output the following: SIFT: "Tolerated"; PolyPhen-2: "Benign"; Align-GVGD: "Class C0". The histidine amino acid residue is found in multiple mammalian species, suggesting that this missense change does not adversely affect protein function. These predictions have not been confirmed by published functional studies and their clinical significance is uncertain. This variant has not been reported in the literature in individuals with KIAA1549-related conditions. This variant is not present in population databases (ExAC no frequency). This sequence change replaces glutamine with histidine at codon 430 of the KIAA1549 protein (p.Gln430His). The glutamine residue is weakly conserved and there is a small physicochemical difference between glutamine and histidine.

NM_001164665.2(KIAA1549):c.1290G>T (p.Gln430His)

Gene: KIAA1549 (KIAA1549; minus strand). Cytogenetic location: 7q34.
Variant type: single nucleotide variant.
Coding change: c.1290G>T on transcript NM_001164665.2 (MANE Select); coding-DNA position 1290, G replaced by T.
Protein change: p.Gln430His; replaces glutamine 430 with histidine.
Molecular consequence: missense variant.
Genome position (GRCh38, 1-based): chr7:138,918,336, C>A on the plus strand (G>T on the coding strand, the complement: KIAA1549 is on the minus strand). VCF-style: chr7-138918336-C-A. GRCh37 (hg19) VCF-style: chr7-138603082-C-A.
Other names: c.1290G>T, p.Gln430His (NM_020910.3); short protein forms Q430H.
Identifiers: ClinVar variation 1042626 (VCV001042626.9), dbSNP rs954885486, ClinGen allele CA167164104.